The following is an entry in ClinVar:

NM_002693.3(POLG):c.980A>G (p.Lys327Arg)

Gene: POLG (DNA polymerase gamma, catalytic subunit; minus strand). Cytogenetic location: 15q26.1.
Variant type: single nucleotide variant.
Coding change: c.980A>G on transcript NM_002693.3 (MANE Select); coding-DNA position 980, A replaced by G.
Protein change: p.Lys327Arg; replaces lysine 327 with arginine.
Molecular consequence: missense variant.
Genome position (GRCh38, 1-based): chr15:89,328,986, T>C on the plus strand (A>G on the coding strand, the complement: POLG is on the minus strand). VCF-style: chr15-89328986-T-C. GRCh37 (hg19) VCF-style: chr15-89872217-T-C.
Other names: c.980A>G, p.Lys327Arg (NM_001126131.2); short protein forms K327R.
Identifiers: ClinVar variation 3571780 (VCV003571780.3).

ClinVar aggregate classification (germline): Uncertain significance. Review status: criteria provided, multiple submitters, no conflicts (2 of 4 stars). 2 submissions from 2 submitters: Uncertain significance (2). Last evaluated 2024-07-18.

Conditions:
Progressive sclerosing poliodystrophy (MTDPS4A). Also called: Mitochondrial DNA Depletion Syndrome 4A; Alpers-Huttenlocher Syndrome (AHS); ALPERS PROGRESSIVE INFANTILE POLIODYSTROPHY; NEURONAL DEGENERATION OF CHILDHOOD WITH LIVER DISEASE, PROGRESSIVE; Alpers Syndrome; ALPERS DIFFUSE DEGENERATION OF CEREBRAL GRAY MATTER WITH HEPATIC CIRRHOSIS. Identifiers: Orphanet 726, MedGen C0205710, MONDO:0008758, OMIM 203700.

gnomAD v4.1: 5 of 1,613,794 alleles (0.00031%); highest among the groups gnomAD compares: Non-Finnish European, 0.00042%; no homozygotes.

Submissions (2):

Labcorp Genetics (formerly Invitae), Labcorp
Classification: Uncertain significance for Progressive sclerosing poliodystrophy. Last evaluated: 2024-07-18. Review status: criteria provided, single submitter. Criteria: Invitae Variant Classification Sherloc (09022015). Collection method: clinical testing. Allele origin: germline.
Comment: This sequence change replaces lysine, which is basic and polar, with arginine, which is basic and polar, at codon 327 of the POLG protein (p.Lys327Arg). This variant is not present in population databases (gnomAD no frequency). This variant has not been reported in the literature in individuals affected with POLG-related conditions. Advanced modeling of protein sequence and biophysical properties (such as structural, functional, and spatial information, amino acid conservation, physicochemical variation, residue mobility, and thermodynamic stability) performed at Invitae indicates that this missense variant is not expected to disrupt POLG protein function with a negative predictive value of 95%. In summary, the available evidence is currently insufficient to determine the role of this variant in disease. Therefore, it has been classified as a Variant of Uncertain Significance.

Athena Diagnostics
Classification: Uncertain significance. Last evaluated: 2024-04-12. Review status: criteria provided, single submitter. Criteria: Athena Diagnostics Criteria. Collection method: clinical testing. Allele origin: unknown.
Comment: Available data are insufficient to determine the clinical significance of the variant at this time. This variant has not been reported in large, multi-ethnic general populations. Computational tools predict that this variant is not damaging.